The following is an entry in ClinVar:

NM_133259.4(LRPPRC):c.1370G>T (p.Gly457Val)

Gene: LRPPRC (leucine rich pentatricopeptide repeat containing; minus strand). Cytogenetic location: 2p21.
Variant type: single nucleotide variant.
Coding change: c.1370G>T on transcript NM_133259.4 (MANE Select); coding-DNA position 1370, G replaced by T.
Protein change: p.Gly457Val; replaces glycine 457 with valine.
Molecular consequence: missense variant.
Genome position (GRCh38, 1-based): chr2:43,963,706, C>A on the plus strand (G>T on the coding strand, the complement: LRPPRC is on the minus strand). VCF-style: chr2-43963706-C-A. GRCh37 (hg19) VCF-style: chr2-44190845-C-A.
Other names: NC_000002.11:g.44190845C>A; short protein forms G457V.
Identifiers: ClinVar variation 3339396 (VCV003339396.2).

ClinVar aggregate classification (germline): Uncertain significance (1 of 4 stars; one submission).

gnomAD v4.1: 9 of 1,442,196 alleles (0.00062%); highest among the groups gnomAD compares: Middle Eastern, 0.017%; no homozygotes.

Submissions (2):

Women's Health and Genetics/Laboratory Corporation of America, LabCorp
Classification: Uncertain significance. Last evaluated: 2024-07-23. Review status: criteria provided, single submitter. Criteria: LabCorp Variant Classification Summary - May 2015. Collection method: clinical testing. Allele origin: germline.
Comment: Variant summary: LRPPRC c.1370G>T (p.Gly457Val) results in a non-conservative amino acid change in the encoded protein sequence. Four of five in-silico tools predict a damaging effect of the variant on protein function. In addition, the variant affects the evolutionary conserved first nucleotide of exon 12. Several computational tools predict a significant impact on normal splicing: three predict the variant weakens the 3' acceptor site, while one predicts no significant impact on splicing. However, these predictions have yet to be confirmed by functional studies. The variant allele was found at a frequency of 1.2e-05 in 250630 control chromosomes (gnomAD). The available data on variant occurrences in the general population are insufficient to allow any conclusion about variant significance. To our knowledge, no occurrence of c.1370G>T in individuals affected with Leigh Syndrome, French-Canadian Type and no experimental evidence demonstrating its impact on protein function have been reported. No submitters have cited clinical-significance assessments for this variant to ClinVar. Based on the evidence outlined above, the variant was classified as uncertain significance.

Dr. Peter K. Rogan Lab, Western University
No classification provided (evidence only). Condition: Familial pancreatic carcinoma. Review status: no classification provided. Collection method: in vitro. Allele origin: not applicable. Functional consequence: retained intron. Not counted in ClinVar's aggregate classification.